The following is an entry in ClinVar:

NM_001197104.2(KMT2A):c.7753G>C (p.Asp2585His)

Gene: KMT2A (lysine methyltransferase 2A; plus strand). Cytogenetic location: 11q23.3.
Variant type: single nucleotide variant.
Coding change: c.7753G>C on transcript NM_001197104.2 (MANE Select); coding-DNA position 7753, G replaced by C.
Protein change: p.Asp2585His; replaces aspartic acid 2585 with histidine.
Molecular consequence: missense variant.
Genome position (GRCh38, 1-based): chr11:118,503,645, G>C. VCF-style: chr11-118503645-G-C. GRCh37 (hg19) VCF-style: chr11-118374360-G-C.
Other names: c.7843G>C, p.Asp2615His (NM_001412597.1); c.7744G>C, p.Asp2582His (NM_005933.4); short protein forms D2582H, D2615H, D2585H.
Identifiers: ClinVar variation 2701975 (VCV002701975.3), dbSNP rs2497002619, ClinGen allele CA382806920.
Genomic context (GRCh38, chr11:118,503,645, plus strand): 5'-TCTGAAAATCCAGGAGATGGTCCAGTGGCCCAACCAAGCCCCAATAATACCTCATGCCAG[G>C]ATTCTCAAAGTAACAACTATCAGAATCTTCCAGTACAGGACAGAAACCTAATGCTTCCAG-3'
Protein context (NP_001184033.1, residues 2575-2595): QPSPNNTSCQ[Asp2585His]SQSNNYQNLP

ClinVar aggregate classification (germline): Uncertain significance (1 of 4 stars; one submission).

Allele frequency attached by ClinVar (database versions not stated): gnomAD exomes below 0.00001.
gnomAD v4.1: 1 of 1,614,202 alleles (0.000062%); highest among the groups gnomAD compares: South Asian, 0.0011%; no homozygotes.

Submission:

Labcorp Genetics (formerly Invitae), Labcorp
Classification: Uncertain significance. Last evaluated: 2023-12-10. Review status: criteria provided, single submitter. Criteria: Invitae Variant Classification Sherloc (09022015). Collection method: clinical testing. Allele origin: germline.
Comment: This sequence change replaces aspartic acid, which is acidic and polar, with histidine, which is basic and polar, at codon 2585 of the KMT2A protein (p.Asp2585His). This variant is not present in population databases (gnomAD no frequency). This variant has not been reported in the literature in individuals affected with KMT2A-related conditions. Advanced modeling of protein sequence and biophysical properties (such as structural, functional, and spatial information, amino acid conservation, physicochemical variation, residue mobility, and thermodynamic stability) performed at Invitae indicates that this missense variant is not expected to disrupt KMT2A protein function with a negative predictive value of 95%. In summary, the available evidence is currently insufficient to determine the role of this variant in disease. Therefore, it has been classified as a Variant of Uncertain Significance.